The following is an entry in ClinVar:

ClinVar aggregate classification (germline): Pathogenic (1 of 4 stars; one submission).

Conditions:
X-linked severe combined immunodeficiency (SCIDX1). Also called: X-Linked Combined Immunodeficiency Diseases; IMMUNODEFICIENCY 4; SCID, X-LINKED; SEVERE COMBINED IMMUNODEFICIENCY, X-LINKED, T CELL-NEGATIVE, B CELL-POSITIVE, NK CELL-NEGATIVE; T-B+ severe combined immunodeficiency due to gamma chain deficiency. Identifiers: Orphanet 276, MedGen C6022468, MONDO:0010315, OMIM 300400. Disease mechanism: loss of function.

Submission:

Labcorp Genetics (formerly Invitae), Labcorp
Classification: Pathogenic for X-linked severe combined immunodeficiency. Last evaluated: 2020-02-23. Review status: criteria provided, single submitter. Criteria: Invitae Variant Classification Sherloc (09022015). Collection method: clinical testing. Allele origin: germline.
Comment: For these reasons, this variant has been classified as Pathogenic. Loss-of-function variants in IL2RG are known to be pathogenic (PMID: 9058718, 10794430). This variant has been reported in an individual affected with X-linked severe combined immunodeficiency (XSCID) (PMID: 10794430). This variant is also known as 536G>A W174X in the literature. ClinVar contains an entry for this variant (Variation ID: 532189). This sequence change creates a premature translational stop signal (p.Trp174*) in the IL2RG gene. It is expected to result in an absent or disrupted protein product. This variant is not present in population databases (ExAC no frequency).

Literature cited by the submitters: PubMed 9058718; PubMed 10794430.

NM_000206.3(IL2RG):c.522G>A (p.Trp174Ter)

Gene: IL2RG (interleukin 2 receptor subunit gamma; minus strand). Cytogenetic location: Xq13.1.
Variant type: single nucleotide variant.
Coding change: c.522G>A on transcript NM_000206.3 (MANE Select); coding-DNA position 522, G replaced by A.
Protein change: p.Trp174Ter; replaces tryptophan 174 with a stop codon.
Molecular consequence: nonsense.
Genome position (GRCh38, 1-based): chrX:71,110,228, C>T on the plus strand (G>A on the coding strand, the complement: IL2RG is on the minus strand). VCF-style: chrX-71110228-C-T. GRCh37 (hg19) VCF-style: chrX-70330078-C-T.
Other names: short protein forms W174*.
Identifiers: ClinVar variation 532189 (VCV000532189.8), dbSNP rs1556330568, ClinGen allele CA413496365.